The following is an entry in ClinVar:

NM_000304.4(PMP22):c.319+4182G>A

Gene: PMP22 (peripheral myelin protein 22; minus strand). Cytogenetic location: 17p12.
Variant type: single nucleotide variant.
Coding change: c.319+4182G>A on transcript NM_000304.4 (MANE Select); 4182 bases into the intron after coding-DNA position 319, G replaced by A.
Molecular consequence: intron variant.
Genome position (GRCh38, 1-based): chr17:15,235,289, C>T on the plus strand (G>A on the coding strand, the complement: PMP22 is on the minus strand). VCF-style: chr17-15235289-C-T. GRCh37 (hg19) VCF-style: chr17-15138606-C-T.
Other names: c.319+4182G>A (NM_001281456.2, NM_153321.3, NM_001281455.2 and 1 more transcripts); c.320-5G>A (NM_001330143.2).
Identifiers: ClinVar variation 4988498 (VCV004988498.1).

ClinVar aggregate classification (germline): Uncertain significance (1 of 4 stars; one submission).

Conditions:
PMP22-related disorder. Also called: PMP22-related disorders; PMP22-related condition.

gnomAD v4.1: 9 of 717,358 alleles (0.0013%); highest among the groups gnomAD compares: South Asian, 0.0074%; no homozygotes.

Submission:

PreventionGenetics, part of Exact Sciences
Classification: Uncertain significance for PMP22-related condition. Last evaluated: 2026-02-04. Review status: criteria provided, single submitter. Criteria: ACMG Guidelines, 2015. Collection method: clinical testing. Allele origin: germline.
Comment: The PMP22 c.320-5G>A variant is predicted to interfere with splicing. This variant is predicted to alter splicing based on available splicing prediction programs (SpliceAI, Jaganathan et al. 2019. PubMed ID: 30661751). However, the use of computer prediction programs is not equivalent to functional evidence. Of note, this variant can be referred to as c.319+4182G>A with the more commonly reported isoform NM_000304. To our knowledge, this variant has not been reported in the literature. This variant is reported in 0.0064% of alleles in individuals of African descent in gnomAD. At this time, the clinical significance of this variant is uncertain due to the absence of conclusive functional and genetic evidence.